The following is an entry in ClinVar:

NM_003742.4(ABCB11):c.3389A>G (p.Tyr1130Cys)

Gene: ABCB11 (ATP binding cassette subfamily B member 11; minus strand). Cytogenetic location: 2q31.1.
Variant type: single nucleotide variant.
Coding change: c.3389A>G on transcript NM_003742.4 (MANE Select); coding-DNA position 3389, A replaced by G.
Protein change: p.Tyr1130Cys; replaces tyrosine 1130 with cysteine.
Molecular consequence: missense variant.
Genome position (GRCh38, 1-based): chr2:168,930,687, T>C on the plus strand (A>G on the coding strand, the complement: ABCB11 is on the minus strand). VCF-style: chr2-168930687-T-C. GRCh37 (hg19) VCF-style: chr2-169787197-T-C.
Other names: short protein forms Y1130C.
Identifiers: ClinVar variation 4846223 (VCV004846223.1).

ClinVar aggregate classification (germline): Uncertain significance (1 of 4 stars; one submission).

Conditions:
Familial intrahepatic cholestasis. Identifiers: Orphanet 284385, MedGen CN296401, MONDO:0017290.

gnomAD v4.1: 31 of 1,574,952 alleles (0.002%); highest among the groups gnomAD compares: East Asian, 0.0045%; no homozygotes.

Submission:

Genomenon, Inc
Classification: Uncertain significance for Familial intrahepatic cholestasis. Last evaluated: 2026-04-14. Review status: criteria provided, single submitter. Criteria: Genomenon Sequence Variant Interpretation Standards - Updated. Collection method: curation. Allele origin: germline. Affected: yes.
Comment: ABCB11 p.Tyr1130Cys (c.3389A>G) is a missense variant that changes the amino acid at residue 1130 from Tyrosine to Cysteine. This variant has been observed in at least one proband with an ABCB11-related disorder (PMID:32942997). It is absent or not present at a significant frequency in gnomAD. In silico models predict that this variant is possibly or probably damaging. In conclusion, we classify ABCB11 p.Tyr1130Cys (c.3389A>G) as a variant of uncertain significance.

Literature cited by the submitters: PubMed 32942997.